The following is an entry in ClinVar:

NM_004415.4(DSP):c.986T>C (p.Leu329Pro)

Gene: DSP (desmoplakin; plus strand). Cytogenetic location: 6p24.3.
Variant type: single nucleotide variant.
Coding change: c.986T>C on transcript NM_004415.4 (MANE Select); coding-DNA position 986, T replaced by C.
Protein change: p.Leu329Pro; replaces leucine 329 with proline.
Molecular consequence: missense variant.
Genome position (GRCh38, 1-based): chr6:7,566,423, T>C. VCF-style: chr6-7566423-T-C. GRCh37 (hg19) VCF-style: chr6-7566656-T-C.
Other names: c.986T>C, p.Leu329Pro (NM_001008844.3, NM_001319034.2, NM_001406591.1); short protein forms L329P.
Identifiers: ClinVar variation 1722160 (VCV001722160.6), dbSNP rs2533876339, ClinGen allele CA362674847.

ClinVar aggregate classification (germline): Uncertain significance (1 of 4 stars; one submission).

Conditions:
Arrhythmogenic cardiomyopathy with wooly hair and keratoderma. Also called: Carvajal syndrome; Dilated cardiomyopathy with woolly hair and keratoderma; Arrhythmogenic cardiomyopathy with woolly hair and keratoderma; PALMOPLANTAR KERATODERMA WITH LEFT VENTRICULAR CARDIOMYOPATHY AND WOOLLY HAIR. Identifiers: Orphanet 65282, MedGen C1854063, MONDO:0011581, OMIM 605676.
Arrhythmogenic right ventricular dysplasia 8 (ARVD8). Also called: Arrhythmogenic Right Ventricular Dysplasia/Cardiomyopathy 8; ARRHYTHMOGENIC RIGHT VENTRICULAR DYSPLASIA, FAMILIAL, 8; ARRHYTHMOGENIC RIGHT VENTRICULAR CARDIOMYOPATHY 8. Identifiers: MedGen C1843896, MONDO:0011831, OMIM 607450.

Submission:

Labcorp Genetics (formerly Invitae), Labcorp
Classification: Uncertain significance for Arrhythmogenic cardiomyopathy with wooly hair and keratoderma; Arrhythmogenic right ventricular dysplasia 8. Last evaluated: 2022-10-25. Review status: criteria provided, single submitter. Criteria: Invitae Variant Classification Sherloc (09022015). Collection method: clinical testing. Allele origin: germline.
Comment: This variant has not been reported in the literature in individuals affected with DSP-related conditions. In summary, the available evidence is currently insufficient to determine the role of this variant in disease. Therefore, it has been classified as a Variant of Uncertain Significance. Algorithms developed to predict the effect of missense changes on protein structure and function are either unavailable or do not agree on the potential impact of this missense change (SIFT: "Deleterious"; PolyPhen-2: "Probably Damaging"; Align-GVGD: "Class C0"). This variant is not present in population databases (gnomAD no frequency). This sequence change replaces leucine, which is neutral and non-polar, with proline, which is neutral and non-polar, at codon 329 of the DSP protein (p.Leu329Pro).